The following is an entry in ClinVar:

NM_000548.5(TSC2):c.1777C>T (p.His593Tyr)

Gene: TSC2 (TSC complex subunit 2; plus strand). Cytogenetic location: 16p13.3.
Variant type: single nucleotide variant.
Coding change: c.1777C>T on transcript NM_000548.5 (MANE Select); coding-DNA position 1777, C replaced by T.
Protein change: p.His593Tyr; replaces histidine 593 with tyrosine.
Molecular consequence: missense variant.
Genome position (GRCh38, 1-based): chr16:2,070,516, C>T. VCF-style: chr16-2070516-C-T. GRCh37 (hg19) VCF-style: chr16-2120517-C-T.
Other names: c.1777C>T, p.His593Tyr (NM_001077183.3, NM_001114382.3, NM_001363528.2 and 3 more transcripts); c.1666C>T, p.His556Tyr (NM_001318827.2); c.1630C>T, p.His544Tyr (NM_001318829.2); c.1177C>T, p.His393Tyr (NM_001318831.2); c.1810C>T, p.His604Tyr (NM_001318832.2); short protein forms H593Y, H556Y, H604Y, H544Y, H393Y.
Identifiers: ClinVar variation 535889 (VCV000535889.10), dbSNP rs1555505123, ClinGen allele CA394272900.

ClinVar aggregate classification (germline): Uncertain significance. Review status: criteria provided, multiple submitters, no conflicts (2 of 4 stars). 3 submissions from 3 submitters: Uncertain significance (3). Last evaluated 2024-05-09.

Conditions:
Tuberous sclerosis 2 (TSC2). Identifiers: Orphanet 805, MedGen C1860707, MONDO:0013199, OMIM 613254.
Tuberous sclerosis syndrome (TSC). Also called: Tuberous Sclerosis Complex; Tuberous sclerosis. Identifiers: Orphanet 805, MedGen C0041341, MONDO:0001734.
Hereditary cancer-predisposing syndrome. Also called: Neoplastic Syndromes, Hereditary; Hereditary neoplastic syndrome; Tumor predisposition; Hereditary Cancer Syndrome. Identifiers: Orphanet 140162, MedGen C0027672, MeSH D009386, MONDO:0015356.

Submissions (3):

All of Us Research Program, National Institutes of Health
Classification: Uncertain significance for Tuberous sclerosis syndrome. Last evaluated: 2024-05-09. Review status: criteria provided, single submitter. Criteria: ACMG Guidelines, 2015. Collection method: clinical testing. Allele origin: germline. Inheritance: Autosomal dominant inheritance. Observed: 1 variant allele, 1 heterozygote.
Comment: This study involves interpretation of variants in research participants for the purpose of population health screening. Participant phenotype was not available at the time of variant classification. Additional details can be found in publication PMID: 35346344, PMCID: PMC8962531

Labcorp Genetics (formerly Invitae), Labcorp
Classification: Uncertain significance for Tuberous sclerosis 2. Last evaluated: 2024-05-06. Review status: criteria provided, single submitter. Criteria: Invitae Variant Classification Sherloc (09022015). Collection method: clinical testing. Allele origin: germline.
Comment: This sequence change replaces histidine, which is basic and polar, with tyrosine, which is neutral and polar, at codon 593 of the TSC2 protein (p.His593Tyr). This variant is not present in population databases (gnomAD no frequency). This variant has not been reported in the literature in individuals affected with TSC2-related conditions. ClinVar contains an entry for this variant (Variation ID: 535889). Advanced modeling of protein sequence and biophysical properties (such as structural, functional, and spatial information, amino acid conservation, physicochemical variation, residue mobility, and thermodynamic stability) performed at Invitae indicates that this missense variant is not expected to disrupt TSC2 protein function with a negative predictive value of 95%. This variant disrupts the p.His593 amino acid residue in TSC2. Other variant(s) that disrupt this residue have been observed in individuals with TSC2-related conditions (PMID: 35918040, 36232477), which suggests that this may be a clinically significant amino acid residue. In summary, the available evidence is currently insufficient to determine the role of this variant in disease. Therefore, it has been classified as a Variant of Uncertain Significance.

Ambry Genetics
Classification: Uncertain significance for Hereditary cancer-predisposing syndrome. Last evaluated: 2023-09-21. Review status: criteria provided, single submitter. Criteria: Ambry Variant Classification Scheme 2023. Collection method: clinical testing. Allele origin: germline.
Comment: The p.H593Y variant (also known as c.1777C>T), located in coding exon 16 of the TSC2 gene, results from a C to T substitution at nucleotide position 1777. The histidine at codon 593 is replaced by tyrosine, an amino acid with similar properties. This amino acid position is conserved. In addition, this alteration is predicted to be deleterious by in silico analysis. Since supporting evidence is limited at this time, the clinical significance of this alteration remains unclear.

Literature cited by the submitters: PubMed 35918040 (cited by Labcorp Genetics (formerly Invitae), Labcorp); PubMed 36232477 (cited by Labcorp Genetics (formerly Invitae), Labcorp).